The following is an entry in ClinVar:

ClinVar aggregate classification (germline): Uncertain significance (1 of 4 stars; one submission).

gnomAD v4.1: 133 of 1,610,618 alleles (0.0083%); highest among the groups gnomAD compares: Middle Eastern, 0.016%; no homozygotes.

Submission:

CeGaT Center for Human Genetics Tuebingen
Classification: Uncertain significance. Last evaluated: 2025-06-01. Review status: criteria provided, single submitter. Criteria: CeGaT Center For Human Genetics Tuebingen Variant Classification Criteria Version 2. Collection method: clinical testing. Allele origin: germline. Affected: yes. Observed: 2 variant alleles.
Comment: PDXK: PM2

NM_003681.5(PDXK):c.254C>T (p.Thr85Met)

Gene: PDXK (pyridoxal kinase; plus strand). Cytogenetic location: 21q22.3.
Variant type: single nucleotide variant.
Coding change: c.254C>T on transcript NM_003681.5 (MANE Select); coding-DNA position 254, C replaced by T.
Protein change: p.Thr85Met; replaces threonine 85 with methionine.
Molecular consequence: missense variant.
Genome position (GRCh38, 1-based): chr21:43,743,730, C>T. VCF-style: chr21-43743730-C-T. GRCh37 (hg19) VCF-style: chr21-45163611-C-T.
Other names: c.134C>T, p.Thr45Met (NM_001331030.2); short protein forms T45M, T85M.
Identifiers: ClinVar variation 3256989 (VCV003256989.17).
Genomic context (GRCh38, chr21:43,743,730, plus strand): 5'-TGATCGTGGTGAGTCTCCTGTTTTCTGAGGGTGACCTGGATTCTCCCCCTAAAGGTTATA[C>T]GAGGGACAAGTCGTTCCTGGCCATGGTGGTGGACATTGTGCAGGAGCTGAAGCAGCAGAA-3'
Protein context (NP_003672.1, residues 75-95): NKYDYVLTGY[Thr85Met]RDKSFLAMVV